The following is an entry in ClinVar:

ClinVar aggregate classification (germline): Pathogenic (1 of 4 stars; one submission).

Conditions:
Peroxisome biogenesis disorder. Identifiers: Orphanet 79189, MedGen C1832200, MONDO:0019234. Disease mechanism: loss of function.

Submission:

Labcorp Genetics (formerly Invitae), Labcorp
Classification: Pathogenic for Peroxisome biogenesis disorder. Last evaluated: 2021-09-08. Review status: criteria provided, single submitter. Criteria: Invitae Variant Classification Sherloc (09022015). Collection method: clinical testing. Allele origin: germline.
Comment: This variant has not been reported in the literature in individuals affected with PEX6-related conditions. This sequence change creates a premature translational stop signal (p.Cys211Valfs*35) in the PEX6 gene. It is expected to result in an absent or disrupted protein product. Loss-of-function variants in PEX6 are known to be pathogenic (PMID: 8670792, 19877282, 21031596). This variant is not present in population databases (ExAC no frequency). For these reasons, this variant has been classified as Pathogenic.

Literature cited by the submitters: PubMed 8670792; PubMed 19877282; PubMed 21031596.

NM_000287.4(PEX6):c.630del (p.Cys211fs)

Gene: PEX6 (peroxisomal biogenesis factor 6; minus strand). Cytogenetic location: 6p21.1.
Variant type: Deletion.
Coding change: c.630del on transcript NM_000287.4 (MANE Select); coding-DNA position 630, one base deleted (C; older notation c.630delC).
Protein change: p.Cys211fs; shifts the reading frame from cysteine 211.
Molecular consequence: frameshift variant. On other transcripts: non-coding transcript variant (1), intron variant (1).
Genome position (GRCh38, 1-based): chr6:42,978,521, G deleted on the plus strand (C on the coding strand, the reverse complement: PEX6 is on the minus strand). VCF-style (leftmost placement, unchanged base first): chr6-42978520-AG-A. GRCh37 (hg19) VCF-style: chr6-42946258-AG-A.
Other names: c.618+12del (NM_001316313.2); short protein forms C211fs.
Identifiers: ClinVar variation 1456403 (VCV001456403.6), dbSNP rs2150239689, ClinGen allele CA2573140785.